The following is an entry in ClinVar:

ClinVar aggregate classification (germline): Uncertain significance (1 of 4 stars; one submission).

Conditions:
Hypertrophic cardiomyopathy. Also called: HYPERTROPHIC MYOCARDIOPATHY. Identifiers: Orphanet 217569, MedGen C0007194, MeSH D002312, MONDO:0005045, HP:0001639.
Primary dilated cardiomyopathy (DCM). Also called: Dilated Cardiomyopathy. Identifiers: Orphanet 217604, MedGen C0007193, MeSH D002311, MONDO:0005021, HP:0001644. Inheritance: Various modes of inheritance.

Allele frequency attached by ClinVar (database versions not stated): gnomAD exomes below 0.00001.
gnomAD v4.1: 1 of 1,613,752 alleles (0.000062%); highest among the groups gnomAD compares: Non-Finnish European, 0.000085%; no homozygotes.

Submission:

Labcorp Genetics (formerly Invitae), Labcorp
Classification: Uncertain significance for Hypertrophic cardiomyopathy; Primary dilated cardiomyopathy. Last evaluated: 2023-03-07. Review status: criteria provided, single submitter. Criteria: Invitae Variant Classification Sherloc (09022015). Collection method: clinical testing. Allele origin: germline.
Comment: Advanced modeling of protein sequence and biophysical properties (such as structural, functional, and spatial information, amino acid conservation, physicochemical variation, residue mobility, and thermodynamic stability) performed at Invitae indicates that this missense variant is not expected to disrupt PDLIM3 protein function. This sequence change replaces proline, which is neutral and non-polar, with threonine, which is neutral and polar, at codon 268 of the PDLIM3 protein (p.Pro268Thr). This variant is not present in population databases (gnomAD no frequency). This variant has not been reported in the literature in individuals affected with PDLIM3-related conditions. ClinVar contains an entry for this variant (Variation ID: 958436). In summary, the available evidence is currently insufficient to determine the role of this variant in disease. Therefore, it has been classified as a Variant of Uncertain Significance.

NM_014476.6(PDLIM3):c.802C>A (p.Pro268Thr)

Gene: PDLIM3 (PDZ and LIM domain 3; minus strand). Cytogenetic location: 4q35.1.
Variant type: single nucleotide variant.
Coding change: c.802C>A on transcript NM_014476.6 (MANE Select); coding-DNA position 802, C replaced by A.
Protein change: p.Pro268Thr; replaces proline 268 with threonine.
Molecular consequence: missense variant. On other transcripts: non-coding transcript variant (1).
Genome position (GRCh38, 1-based): chr4:185,504,578, G>T on the plus strand (C>A on the coding strand, the complement: PDLIM3 is on the minus strand). VCF-style: chr4-185504578-G-T. GRCh37 (hg19) VCF-style: chr4-186425732-G-T.
Other names: c.658C>A, p.Pro220Thr (NM_001114107.5); c.538C>A, p.Pro180Thr (NM_001257962.2); c.301C>A, p.Pro101Thr (NM_001257963.2); short protein forms P101T, P180T, P220T, P268T.
Identifiers: ClinVar variation 958436 (VCV000958436.10), dbSNP rs542630585, ClinGen allele CA112042635.